The following is an entry in ClinVar:

ClinVar aggregate classification (germline): Likely benign. Review status: criteria provided, multiple submitters, no conflicts (2 of 4 stars). 3 submissions from 3 submitters: Likely benign (2). 1 of the submissions does not count toward it. Last evaluated 2024-04-08.

Conditions:
PPARG-related disorder. Also called: PPARG-related condition; PPARG-related disorders.

Allele frequency attached by ClinVar (database versions not stated): gnomAD exomes below 0.00001; TOPMed below 0.00001; ExAC 0.00001; gnomAD 0.00001.
gnomAD v4.1: 5 of 1,614,106 alleles (0.00031%); highest among the groups gnomAD compares: East Asian, 0.0022%; no homozygotes.

Submissions (3):

Labcorp Genetics (formerly Invitae), Labcorp
Classification: Likely benign. Last evaluated: 2024-04-08. Review status: criteria provided, single submitter. Criteria: Invitae Variant Classification Sherloc (09022015). Collection method: clinical testing. Allele origin: germline.

Blueprint Genetics
Classification: Likely benign. Last evaluated: 2020-09-02. Review status: criteria provided, single submitter. Criteria: ACMG Guidelines, 2015. Collection method: clinical testing. Allele origin: germline.

PreventionGenetics, part of Exact Sciences
Classification: Likely benign for PPARG-related condition. Last evaluated: 2019-10-11. Review status: no assertion criteria provided. Collection method: clinical testing. Allele origin: germline. Not counted in ClinVar's aggregate classification.
Comment: This variant is classified as likely benign based on ACMG/AMP sequence variant interpretation guidelines (Richards et al. 2015 PMID: 25741868, with internal and published modifications).

NM_138711.6(PPARG):c.1266C>T (p.Asn422=)

Gene: PPARG (peroxisome proliferator activated receptor gamma; plus strand). Cytogenetic location: 3p25.2.
Variant type: single nucleotide variant.
Coding change: c.1266C>T on transcript NM_138711.6 (MANE Select); coding-DNA position 1266, C replaced by T.
Protein change: p.Asn422=; no amino-acid change (asparagine 422 retained).
Molecular consequence: synonymous variant. On other transcripts: 3 prime UTR variant (5).
Genome position (GRCh38, 1-based): chr3:12,433,983, C>T. VCF-style: chr3-12433983-C-T. GRCh37 (hg19) VCF-style: chr3-12475482-C-T.
Other names: c.*68C>T (NM_001330615.4, NM_001374261.3, NM_001374262.3 and 1 more transcripts); c.1266C>T, p.Asn422= (NM_001354666.3, NM_001354667.3, NM_001374263.2 and 3 more transcripts); c.639C>T, p.Asn213= (NM_001354669.2); c.*52C>T (NM_001374266.1); c.1356C>T, p.Asn452= (NM_015869.5).
Identifiers: ClinVar variation 3049705 (VCV003049705.5), dbSNP rs751869756, ClinGen allele CA2258354.